The following is an entry in ClinVar:

NM_001267550.2(TTN):c.106439A>C (p.His35480Pro)

Genes: TTN-AS1 (TTN antisense RNA 1; plus strand), TTN (titin; minus strand). Cytogenetic location: 2q31.2.
Variant type: single nucleotide variant.
Coding change: c.106439A>C on transcript NM_001267550.2 (MANE Select); coding-DNA position 106439, A replaced by C.
Protein change: p.His35480Pro; replaces histidine 35480 with proline.
Molecular consequence: missense variant.
Genome position (GRCh38, 1-based): chr2:178,530,052, T>G on the plus strand (A>C on the coding strand, the complement: TTN is on the minus strand). VCF-style: chr2-178530052-T-G. GRCh37 (hg19) VCF-style: chr2-179394779-T-G.
Other names: c.101516A>C, p.His33839Pro (NM_001256850.1); c.79244A>C, p.His26415Pro (NM_003319.4); c.98735A>C, p.His32912Pro (NM_133378.4); c.79619A>C, p.His26540Pro (NM_133432.3); c.79820A>C, p.His26607Pro (NM_133437.4); short protein forms H26540P, H26607P, H33839P, H32912P, H26415P, H35480P.
Identifiers: ClinVar variation 2947445 (VCV002947445.3), dbSNP rs766337455, ClinGen allele CA349405256.
Genomic context (GRCh38, chr2:178,530,052, plus strand): 5'-GATCCAGCTGAATTTTTTACTGTACAAGTATAAAGTCCACTGTCAGAAGTATCAGTCTTA[T>G]GAATTTCTAAGAAGAACCCTCCCTTGTCTTCAGAGAGTTTATATTTACCTCCTTGTGTAA-3'
Protein context (NP_001254479.2, residues 35470-35490): EDKGGFFLEI[His35480Pro]KTDTSDSGLY

ClinVar aggregate classification (germline): Uncertain significance (1 of 4 stars; one submission).

Conditions:
Dilated cardiomyopathy 1G (CMD1G). Identifiers: Orphanet 154, MedGen C1858763, MONDO:0011400, OMIM 604145.
Autosomal recessive limb-girdle muscular dystrophy type 2J (LGMDR10). Also called: Limb-girdle muscular dystrophy, type 2J; MUSCULAR DYSTROPHY, LIMB-GIRDLE, AUTOSOMAL RECESSIVE 10. Identifiers: Orphanet 140922, MedGen C1837342, MONDO:0012127, OMIM 608807.

gnomAD v4.1: 2 of 1,611,858 alleles (0.00012%); highest among the groups gnomAD compares: South Asian, 0.0011%; no homozygotes.

Submission:

Labcorp Genetics (formerly Invitae), Labcorp
Classification: Uncertain significance for Dilated cardiomyopathy 1G; Autosomal recessive limb-girdle muscular dystrophy type 2J. Last evaluated: 2023-12-30. Review status: criteria provided, single submitter. Criteria: Invitae Variant Classification Sherloc (09022015). Collection method: clinical testing. Allele origin: germline.
Comment: This sequence change replaces histidine, which is basic and polar, with proline, which is neutral and non-polar, at codon 35480 of the TTN protein (p.His35480Pro). This variant is not present in population databases (gnomAD no frequency). This variant has not been reported in the literature in individuals affected with TTN-related conditions. Experimental studies and prediction algorithms are not available or were not evaluated, and the functional significance of this variant is currently unknown. This variant is located in the M band of TTN (PMID: 25589632). Non-truncating variants in this region may be relevant for neuromuscular disorders, but have not been definitively shown to cause cardiomyopathy (PMID: 23975875). In summary, the available evidence is currently insufficient to determine the role of this variant in disease. Therefore, it has been classified as a Variant of Uncertain Significance.

Literature cited by the submitters: PubMed 25589632; PubMed 23975875.